The following is an entry in ClinVar:

NM_002617.4(PEX10):c.338T>C (p.Leu113Pro)

Gene: PEX10 (peroxisomal biogenesis factor 10; minus strand). Cytogenetic location: 1p36.32.
Variant type: single nucleotide variant.
Coding change: c.338T>C on transcript NM_002617.4 (MANE Select); coding-DNA position 338, T replaced by C.
Protein change: p.Leu113Pro; replaces leucine 113 with proline.
Molecular consequence: missense variant. On other transcripts: 5 prime UTR variant (2), non-coding transcript variant (1).
Genome position (GRCh38, 1-based): chr1:2,408,714, A>G on the plus strand (T>C on the coding strand, the complement: PEX10 is on the minus strand). VCF-style: chr1-2408714-A-G. GRCh37 (hg19) VCF-style: chr1-2340153-A-G.
Other names: c.338T>C, p.Leu113Pro (NM_001374425.1, NM_153818.2); c.-95T>C (NM_001374426.1, NM_001374427.1); short protein forms L113P.
Identifiers: ClinVar variation 955602 (VCV000955602.7), dbSNP rs757778155, ClinGen allele CA538206.

ClinVar aggregate classification (germline): Uncertain significance. Review status: criteria provided, multiple submitters, no conflicts (2 of 4 stars). 5 submissions from 5 submitters: Uncertain significance (4). 1 of the submissions does not count toward it. Last evaluated 2025-09-22.

Conditions:
Zellweger spectrum disorders (ZS). Also called: Zellweger Spectrum Disorder; Zellweger Spectrum; Zellweger syndrome; Zellweger Spectrum Disorder (ZSD). Identifiers: Orphanet 912, MedGen C0043459, MONDO:0019609.
Inborn genetic diseases. Identifiers: MedGen C0950123, MeSH D030342.
Peroxisome biogenesis disorder 6A (Zellweger). Also called: Peroxisome biogenesis disorder 6A. Identifiers: Orphanet 912, MedGen C3553947, MONDO:0013936, OMIM 614870.
Peroxisome biogenesis disorder 6B (PBD6B). Identifiers: Orphanet 44, MedGen C3553948, MONDO:0013937, OMIM 614871.
Peroxisome biogenesis disorder, complementation group 7 (CG7). Also called: Peroxisome biogenesis disorder, complementation group B. Identifiers: MedGen C1864399.

Allele frequency attached by ClinVar (database versions not stated): gnomAD 0.00001; TOPMed 0.00001; ExAC 0.00002.
gnomAD v4.1: 26 of 1,613,516 alleles (0.0016%); highest among the groups gnomAD compares: Admixed American, 0.0033%; no homozygotes.

Submissions (5):

Ambry Genetics
Classification: Uncertain significance for Inborn genetic diseases. Last evaluated: 2025-09-22. Review status: criteria provided, single submitter. Criteria: Ambry Variant Classification Scheme 2023. Collection method: clinical testing. Allele origin: germline.

Blueprint Genetics
Classification: Uncertain significance. Last evaluated: 2023-09-12. Review status: criteria provided, single submitter. Criteria: ACMG Guidelines, 2015. Collection method: clinical testing. Allele origin: germline.

Labcorp Genetics (formerly Invitae), Labcorp
Classification: Uncertain significance for Peroxisome biogenesis disorder, complementation group 7. Last evaluated: 2022-09-06. Review status: criteria provided, single submitter. Criteria: Invitae Variant Classification Sherloc (09022015). Collection method: clinical testing. Allele origin: germline.
Comment: This sequence change replaces leucine, which is neutral and non-polar, with proline, which is neutral and non-polar, at codon 113 of the PEX10 protein (p.Leu113Pro). This variant is present in population databases (rs757778155, gnomAD 0.003%). This variant has not been reported in the literature in individuals affected with PEX10-related conditions. ClinVar contains an entry for this variant (Variation ID: 955602). Algorithms developed to predict the effect of missense changes on protein structure and function (SIFT, PolyPhen-2, Align-GVGD) all suggest that this variant is likely to be disruptive. In summary, the available evidence is currently insufficient to determine the role of this variant in disease. Therefore, it has been classified as a Variant of Uncertain Significance.

Fulgent Genetics
Classification: Uncertain significance for Peroxisome biogenesis disorder 6A (Zellweger); Peroxisome biogenesis disorder 6B. Last evaluated: 2021-12-07. Review status: criteria provided, single submitter. Criteria: ACMG Guidelines, 2015. Collection method: clinical testing. Allele origin: unknown.

Natera, Inc.
Classification: Uncertain significance for Zellweger syndrome. Last evaluated: 2020-09-13. Review status: no assertion criteria provided. Collection method: clinical testing. Allele origin: germline. Not counted in ClinVar's aggregate classification.